The following is an entry in ClinVar:

ClinVar aggregate classification (germline): Uncertain significance. Review status: criteria provided, multiple submitters, no conflicts (2 of 4 stars). 3 submissions from 3 submitters: Uncertain significance (2). 1 of the submissions does not count toward it. Last evaluated 2025-06-07.

Conditions:
Familial dysautonomia. Also called: FD; HSAN III. Identifiers: Orphanet 1764, MedGen C0013364, MONDO:0009131, OMIM 223900. Disease mechanism: loss of function.

Submissions (3):

Ambry Genetics
Classification: Uncertain significance. Last evaluated: 2025-06-07. Review status: criteria provided, single submitter. Criteria: Ambry Variant Classification Scheme 2023. Collection method: clinical testing. Allele origin: germline.

Labcorp Genetics (formerly Invitae), Labcorp
Classification: Uncertain significance. Last evaluated: 2022-06-04. Review status: criteria provided, single submitter. Criteria: Invitae Variant Classification Sherloc (09022015). Collection method: clinical testing. Allele origin: germline.
Comment: This sequence change replaces valine, which is neutral and non-polar, with alanine, which is neutral and non-polar, at codon 44 of the ELP1 protein (p.Val44Ala). This variant is not present in population databases (gnomAD no frequency). This variant has not been reported in the literature in individuals affected with ELP1-related conditions. ClinVar contains an entry for this variant (Variation ID: 948182). Algorithms developed to predict the effect of missense changes on protein structure and function (SIFT, PolyPhen-2, Align-GVGD) all suggest that this variant is likely to be tolerated. In summary, the available evidence is currently insufficient to determine the role of this variant in disease. Therefore, it has been classified as a Variant of Uncertain Significance.

Natera, Inc.
Classification: Uncertain significance for Familial dysautonomia. Last evaluated: 2020-12-01. Review status: no assertion criteria provided. Collection method: clinical testing. Allele origin: germline. Not counted in ClinVar's aggregate classification.

NM_003640.5(ELP1):c.131T>C (p.Val44Ala)

Gene: ELP1 (elongator acetyltransferase complex subunit 1; minus strand). Cytogenetic location: 9q31.3.
Variant type: single nucleotide variant.
Coding change: c.131T>C on transcript NM_003640.5 (MANE Select); coding-DNA position 131, T replaced by C.
Protein change: p.Val44Ala; replaces valine 44 with alanine.
Molecular consequence: missense variant. On other transcripts: 5 prime UTR variant (2).
Genome position (GRCh38, 1-based): chr9:108,931,016, A>G on the plus strand (T>C on the coding strand, the complement: ELP1 is on the minus strand). VCF-style: chr9-108931016-A-G. GRCh37 (hg19) VCF-style: chr9-111693296-A-G.
Other names: c.-212T>C (NM_001318360.2); c.-729T>C (NM_001330749.2); short protein forms V44A.
Identifiers: ClinVar variation 948182 (VCV000948182.11), dbSNP rs1829988347, ClinGen allele CA374394747.